The following is an entry in ClinVar:

ClinVar aggregate classification (germline): Pathogenic (1 of 4 stars; one submission).

Conditions:
COL1A1-related disorder. Also called: COL1A1-related condition; COL1A1- related disease.

Submission:

3billion
Classification: Pathogenic for COL1A1-related disorder. Last evaluated: 2025-11-29. Review status: criteria provided, single submitter. Criteria: ACMG Guidelines, 2015. Collection method: clinical testing. Allele origin: germline. Affected: yes.
Comment: The variant is not observed in the gnomAD v4.1.0 dataset. Predicted Consequence/Location: Frameshift: predicted to result in a loss or disruption of normal protein function through nonsense-mediated decay (NMD) or protein truncation. Multiple pathogenic variants are reported downstream of the variant. The variant has been reported to be associated with COL1A1-related disorder (PMID: 30614853). Therefore, this variant is classified as Pathogenic according to the recommendation of ACMG/AMP guideline.

Literature cited by the submitters: PubMed 30614853.

NM_000088.4(COL1A1):c.1077del (p.Arg361fs)

Gene: COL1A1 (collagen type I alpha 1 chain; minus strand). Cytogenetic location: 17q21.33.
Variant type: Deletion.
Coding change: c.1077del on transcript NM_000088.4 (MANE Select); coding-DNA position 1077, one base deleted (G; older notation c.1077delG).
Protein change: p.Arg361fs; shifts the reading frame from arginine 361.
Molecular consequence: frameshift variant.
Genome position (GRCh38, 1-based): chr17:50,195,645, C deleted on the plus strand (G on the coding strand, the reverse complement: COL1A1 is on the minus strand); the first of 3 consecutive C bases (chr17:50,195,645-50,195,647); deleting any one gives the same sequence. VCF-style (leftmost placement, unchanged base first): chr17-50195644-GC-G. GRCh37 (hg19) VCF-style: chr17-48273005-GC-G.
Other names: short protein forms R361fs.
Identifiers: ClinVar variation 4855464 (VCV004855464.1).